The following is an entry in ClinVar:

ClinVar aggregate classification (germline): Uncertain significance (1 of 4 stars; one submission).

Allele frequency attached by ClinVar (database versions not stated): gnomAD exomes below 0.00001.
gnomAD v4.1: 1 of 1,613,266 alleles (0.000062%); highest among the groups gnomAD compares: Non-Finnish European, 0.000085%; no homozygotes.

Submission:

Labcorp Genetics (formerly Invitae), Labcorp
Classification: Uncertain significance. Last evaluated: 2022-10-13. Review status: criteria provided, single submitter. Criteria: Invitae Variant Classification Sherloc (09022015). Collection method: clinical testing. Allele origin: germline.
Comment: This sequence change replaces asparagine, which is neutral and polar, with lysine, which is basic and polar, at codon 167 of the RCBTB1 protein (p.Asn167Lys). This variant is present in population databases (no rsID available, gnomAD 0.0009%). This variant has not been reported in the literature in individuals affected with RCBTB1-related conditions. ClinVar contains an entry for this variant (Variation ID: 1438829). Algorithms developed to predict the effect of missense changes on protein structure and function (SIFT, PolyPhen-2, Align-GVGD) all suggest that this variant is likely to be disruptive. In summary, the available evidence is currently insufficient to determine the role of this variant in disease. Therefore, it has been classified as a Variant of Uncertain Significance.

NM_018191.4(RCBTB1):c.501T>G (p.Asn167Lys)

Gene: RCBTB1 (RCC1 and BTB domain containing protein 1; minus strand). Cytogenetic location: 13q14.2.
Variant type: single nucleotide variant.
Coding change: c.501T>G on transcript NM_018191.4 (MANE Select); coding-DNA position 501, T replaced by G.
Protein change: p.Asn167Lys; replaces asparagine 167 with lysine.
Molecular consequence: missense variant. On other transcripts: 5 prime UTR variant (1), non-coding transcript variant (2).
Genome position (GRCh38, 1-based): chr13:49,555,617, A>C on the plus strand (T>G on the coding strand, the complement: RCBTB1 is on the minus strand). VCF-style: chr13-49555617-A-C. GRCh37 (hg19) VCF-style: chr13-50129753-A-C.
Other names: c.501T>G, p.Asn167Lys (NM_001352500.2, NM_001352501.2, NM_001352502.2 and 3 more transcripts); c.-79T>G (NM_001352506.2); short protein forms N167K.
Identifiers: ClinVar variation 1438829 (VCV001438829.6), dbSNP rs1423195608, ClinGen allele CA388191493.
Genomic context (GRCh38, chr13:49,555,617, plus strand): 5'-GGCAATGCCAACTACCCTCTTAATATGTAAACAGTTTGTAACTTTTCGAGGAGTTGGTTG[A>C]TTTGCTGTAGAACCTGATCCCACTTGGCCACAGTTGTTATAACCCCAAGCAAACACCTAC-3'
Protein context (NP_060661.3, residues 157-177): CGQVGSGSTA[Asn167Lys]QPTPRKVTNC